The following is an entry in ClinVar:

NM_194454.3(KRIT1):c.1753G>A (p.Val585Ile)

Gene: KRIT1 (KRIT1 ankyrin repeat containing; minus strand). Cytogenetic location: 7q21.2.
Variant type: single nucleotide variant.
Coding change: c.1753G>A on transcript NM_194454.3 (MANE Select); coding-DNA position 1753, G replaced by A.
Protein change: p.Val585Ile; replaces valine 585 with isoleucine.
Molecular consequence: missense variant.
Genome position (GRCh38, 1-based): chr7:92,213,957, C>T on the plus strand (G>A on the coding strand, the complement: KRIT1 is on the minus strand). VCF-style: chr7-92213957-C-T. GRCh37 (hg19) VCF-style: chr7-91843271-C-T.
Other names: c.1609G>A, p.Val537Ile (NM_001013406.2, NM_001350669.1, NM_001350670.1); c.1039G>A, p.Val347Ile (NM_001350671.1); c.1753G>A, p.Val585Ile (NM_001350672.1, NM_001350673.1, NM_001350674.1 and 26 more transcripts); short protein forms V585I, V347I, V537I.
Identifiers: ClinVar variation 1905282 (VCV001905282.6), dbSNP rs757069823, ClinGen allele CA4339033.

ClinVar aggregate classification (germline): Uncertain significance. Review status: criteria provided, multiple submitters, no conflicts (2 of 4 stars). 2 submissions from 2 submitters: Uncertain significance (2). Last evaluated 2025-03-31.

Conditions:
Inborn genetic diseases. Identifiers: MedGen C0950123, MeSH D030342.
Cerebral cavernous malformation (CCM). Also called: Cerebral cavernous hemangioma (type); CAVERNOUS ANGIOMA, FAMILIAL; CAVERNOUS ANGIOMATOUS MALFORMATIONS; CEREBRAL CAPILLARY MALFORMATIONS; Cavernous Hemangioma of Brain; Cerebral cavernous malformations. Identifiers: Orphanet 221061, MedGen C2919945, MONDO:0000820, OMIM 116860, HP:0033522.

Allele frequency attached by ClinVar (database versions not stated): gnomAD 0.00001; gnomAD exomes 0.00001; TOPMed 0.00001; ExAC 0.00002.

Submissions (2):

Labcorp Genetics (formerly Invitae), Labcorp
Classification: Uncertain significance for Cerebral cavernous malformation. Last evaluated: 2025-03-31. Review status: criteria provided, single submitter. Criteria: Invitae Variant Classification Sherloc (09022015). Collection method: clinical testing. Allele origin: germline.
Comment: This sequence change replaces valine, which is neutral and non-polar, with isoleucine, which is neutral and non-polar, at codon 585 of the KRIT1 protein (p.Val585Ile). This variant is present in population databases (rs757069823, gnomAD 0.002%). This variant has not been reported in the literature in individuals affected with KRIT1-related conditions. ClinVar contains an entry for this variant (Variation ID: 1905282). Invitae Evidence Modeling of protein sequence and biophysical properties (such as structural, functional, and spatial information, amino acid conservation, physicochemical variation, residue mobility, and thermodynamic stability) indicates that this missense variant is not expected to disrupt KRIT1 protein function with a negative predictive value of 80%. In summary, the available evidence is currently insufficient to determine the role of this variant in disease. Therefore, it has been classified as a Variant of Uncertain Significance.

Ambry Genetics
Classification: Uncertain significance for Inborn genetic diseases. Last evaluated: 2023-11-14. Review status: criteria provided, single submitter. Criteria: Ambry Variant Classification Scheme 2023. Collection method: clinical testing. Allele origin: germline.